The following is an entry in ClinVar:

ClinVar aggregate classification (germline): Likely benign. Review status: criteria provided, multiple submitters, no conflicts (2 of 4 stars). 2 submissions from 2 submitters: Likely benign (2). Last evaluated 2025-06-12.

Conditions:
Frontotemporal dementia and/or amyotrophic lateral sclerosis 1 (FTDALS1). Also called: C9orf72 Frontotemporal Dementia and/or Amyotrophic Lateral Sclerosis; Frontotemporal dementia with motor neuron disease 1. Identifiers: Orphanet 275872, MedGen C5779877, MONDO:0007105, OMIM 105550.
Paget disease of bone 2, early-onset (PDB2). Also called: Paget disease of bone 2. Identifiers: MedGen C4085251, MONDO:0011183, OMIM 602080.

Allele frequency attached by ClinVar (database versions not stated): gnomAD 0.00004; gnomAD exomes 0.00004; TOPMed 0.00005; ExAC 0.00007; ESP Exome Variant Server 0.00015.
gnomAD v4.1: 31 of 1,613,656 alleles (0.0019%); highest among the groups gnomAD compares: Middle Eastern, 0.016%; no homozygotes.

Submissions (2):

Labcorp Genetics (formerly Invitae), Labcorp
Classification: Likely benign for Paget disease of bone 2, early-onset; Frontotemporal dementia and/or amyotrophic lateral sclerosis 1. Last evaluated: 2025-06-12. Review status: criteria provided, single submitter. Criteria: Invitae Variant Classification Sherloc (09022015). Collection method: clinical testing. Allele origin: germline.

CeGaT Center for Human Genetics Tuebingen
Classification: Likely benign. Last evaluated: 2022-04-01. Review status: criteria provided, single submitter. Criteria: CeGaT Center For Human Genetics Tuebingen Variant Classification Criteria Version 2. Collection method: clinical testing. Allele origin: germline. Affected: yes. Observed: 1 variant allele.
Comment: SQSTM1: BP4, BP7

NM_003900.5(SQSTM1):c.540G>A (p.Ser180=)

Gene: SQSTM1 (sequestosome 1; plus strand). Cytogenetic location: 5q35.3.
Variant type: single nucleotide variant.
Coding change: c.540G>A on transcript NM_003900.5 (MANE Select); coding-DNA position 540, G replaced by A.
Protein change: p.Ser180=; no amino-acid change (serine 180 retained).
Molecular consequence: synonymous variant.
Genome position (GRCh38, 1-based): chr5:179,824,190, G>A. VCF-style: chr5-179824190-G-A. GRCh37 (hg19) VCF-style: chr5-179251190-G-A.
Other names: c.288G>A, p.Ser96= (NM_001142298.2, NM_001142299.2).
Identifiers: ClinVar variation 755066 (VCV000755066.31), dbSNP rs370203737, ClinGen allele CA3600560.
Genomic context (GRCh38, chr5:179,824,190, plus strand): 5'-GCAGGAACCTTGACCCGCTCACTGCCTGCCGCTCTGCTAATTCCTCCCCCAGGGCTTCTC[G>A]CACAGCCGCTGGCTCCGGAAGGTGAAACACGGACACTTCGGGTGGCCAGGATGGGAAATG-3'
Protein context (NP_003891.1, residues 170-190): SPFGHLSEGF[Ser180=]HSRWLRKVKH